The following is an entry in ClinVar:

ClinVar aggregate classification (germline): Likely benign (0 of 4 stars; one submission).

Conditions:
GP1BA-related disorder. Also called: GP1BA-related condition.

Allele frequency attached by ClinVar (database versions not stated): gnomAD exomes 0.00003; 1000 Genomes Project 30x 0.00016; 1000 Genomes Project 0.00020.

Submission:

PreventionGenetics, part of Exact Sciences
Classification: Likely benign for GP1BA-related condition. Last evaluated: 2021-01-25. Review status: no assertion criteria provided. Collection method: clinical testing. Allele origin: germline.
Comment: This variant is classified as likely benign based on ACMG/AMP sequence variant interpretation guidelines (Richards et al. 2015 PMID: 25741868, with internal and published modifications).

NM_000173.7(GP1BA):c.1803G>A (p.Ser601=)

Genes: GP1BA (glycoprotein Ib platelet subunit alpha; plus strand), LOC130060044 (ATAC-STARR-seq lymphoblastoid active region 11554; plus strand). Cytogenetic location: 17p13.2.
Variant type: single nucleotide variant.
Coding change: c.1803G>A on transcript NM_000173.7 (MANE Select); coding-DNA position 1803, G replaced by A.
Protein change: p.Ser601=; no amino-acid change (serine 601 retained).
Molecular consequence: synonymous variant.
Genome position (GRCh38, 1-based): chr17:4,934,407, G>A. VCF-style: chr17-4934407-G-A. GRCh37 (hg19) VCF-style: chr17-4837702-G-A.
Identifiers: ClinVar variation 3053981 (VCV003053981.2), dbSNP rs539419950, ClinGen allele CA8315074.